The following is an entry in ClinVar:

NM_006182.4(DDR2):c.1504G>C (p.Gly502Arg)

Gene: DDR2 (discoidin domain receptor tyrosine kinase 2; plus strand). Cytogenetic location: 1q23.3.
Variant type: single nucleotide variant.
Coding change: c.1504G>C on transcript NM_006182.4 (MANE Select); coding-DNA position 1504, G replaced by C.
Protein change: p.Gly502Arg; replaces glycine 502 with arginine.
Molecular consequence: missense variant.
Genome position (GRCh38, 1-based): chr1:162,770,512, G>C. VCF-style: chr1-162770512-G-C. GRCh37 (hg19) VCF-style: chr1-162740302-G-C.
Other names: c.1504G>C, p.Gly502Arg (NM_001014796.3, NM_001354982.2, NM_001354983.2); short protein forms G502R.
Identifiers: ClinVar variation 4724990 (VCV004724990.1).

ClinVar aggregate classification (germline): Uncertain significance (1 of 4 stars; one submission).

Submission:

Labcorp Genetics (formerly Invitae), Labcorp
Classification: Uncertain significance. Last evaluated: 2025-08-07. Review status: criteria provided, single submitter. Criteria: Invitae Variant Classification Sherloc (09022015). Collection method: clinical testing. Allele origin: germline.
Comment: This sequence change replaces glycine, which is neutral and non-polar, with arginine, which is basic and polar, at codon 502 of the DDR2 protein (p.Gly502Arg). This variant also falls at the last nucleotide of exon 12, which is part of the consensus splice site for this exon. This variant is not present in population databases (gnomAD no frequency). This variant has not been reported in the literature in individuals affected with DDR2-related conditions. An algorithm developed to predict the effect of missense changes on protein structure and function (PolyPhen-2) suggests that this variant is likely to be tolerated. Variants that disrupt the consensus splice site are a relatively common cause of aberrant splicing (PMID: 17576681, 9536098). Algorithms developed to predict the effect of sequence changes on RNA splicing suggest that this variant may disrupt the consensus splice site. In summary, the available evidence is currently insufficient to determine the role of this variant in disease. Therefore, it has been classified as a Variant of Uncertain Significance.

Literature cited by the submitters: PubMed 17576681; PubMed 9536098.